The following is an entry in ClinVar:

NM_004974.4(KCNA2):c.569A>T (p.Asp190Val)

Gene: KCNA2 (potassium voltage-gated channel subfamily A member 2; minus strand). Cytogenetic location: 1p13.3.
Variant type: single nucleotide variant.
Coding change: c.569A>T on transcript NM_004974.4 (MANE Select); coding-DNA position 569, A replaced by T.
Protein change: p.Asp190Val; replaces aspartic acid 190 with valine.
Molecular consequence: missense variant.
Genome position (GRCh38, 1-based): chr1:110,604,214, T>A on the plus strand (A>T on the coding strand, the complement: KCNA2 is on the minus strand). VCF-style: chr1-110604214-T-A. GRCh37 (hg19) VCF-style: chr1-111146836-T-A.
Other names: c.569A>T, p.Asp190Val (NM_001204269.2); short protein forms D190V.
Identifiers: ClinVar variation 2859115 (VCV002859115.3), dbSNP rs2524620611, ClinGen allele CA341603705.

ClinVar aggregate classification (germline): Uncertain significance (1 of 4 stars; one submission).

Conditions:
Developmental and epileptic encephalopathy, 32 (DEE32). Also called: Epileptic encephalopathy, early infantile, 32. Identifiers: Orphanet 442835, MedGen C4225350, MONDO:0014607, OMIM 616366.

Submission:

Labcorp Genetics (formerly Invitae), Labcorp
Classification: Uncertain significance for Developmental and epileptic encephalopathy, 32. Last evaluated: 2023-04-25. Review status: criteria provided, single submitter. Criteria: Invitae Variant Classification Sherloc (09022015). Collection method: clinical testing. Allele origin: germline.
Comment: In summary, the available evidence is currently insufficient to determine the role of this variant in disease. Therefore, it has been classified as a Variant of Uncertain Significance. Advanced modeling of protein sequence and biophysical properties (such as structural, functional, and spatial information, amino acid conservation, physicochemical variation, residue mobility, and thermodynamic stability) performed at Invitae indicates that this missense variant is not expected to disrupt KCNA2 protein function. This variant has not been reported in the literature in individuals affected with KCNA2-related conditions. This variant is not present in population databases (gnomAD no frequency). This sequence change replaces aspartic acid, which is acidic and polar, with valine, which is neutral and non-polar, at codon 190 of the KCNA2 protein (p.Asp190Val).